The following is an entry in ClinVar:

NM_001041.4(SI):c.373+1G>T

Gene: SI (sucrase-isomaltase; minus strand). Cytogenetic location: 3q26.1.
Variant type: single nucleotide variant.
Coding change: c.373+1G>T on transcript NM_001041.4 (MANE Select); the canonical splice donor site of the intron after coding-DNA position 373, G replaced by T.
Molecular consequence: splice donor variant.
Genome position (GRCh38, 1-based): chr3:165,069,077, C>A on the plus strand (G>T on the coding strand, the complement: SI is on the minus strand). VCF-style: chr3-165069077-C-A. GRCh37 (hg19) VCF-style: chr3-164786865-C-A.
Identifiers: ClinVar variation 3660117 (VCV003660117.2).
Genomic context (GRCh38, chr3:165,069,077, plus strand): 5'-CCACATTTTCGCTCCAGTTAGAATATATCATATTGAATCATTATAACAGAGGACTTCTTA[C>A]CAATACTTGTTGTTGTCATGTCTTGAACGTTATAACCATGATTATCAACGAAGAAGCACC-3'

ClinVar aggregate classification (germline): Likely pathogenic (1 of 4 stars; one submission).

Submission:

Labcorp Genetics (formerly Invitae), Labcorp
Classification: Likely pathogenic. Last evaluated: 2024-08-08. Review status: criteria provided, single submitter. Criteria: Invitae Variant Classification Sherloc (09022015). Collection method: clinical testing. Allele origin: germline.
Comment: This sequence change affects a donor splice site in intron 4 of the SI gene. It is expected to disrupt RNA splicing. Variants that disrupt the donor or acceptor splice site typically lead to a loss of protein function (PMID: 16199547), and loss-of-function variants in SI are known to be pathogenic (PMID: 16329100, 23103650, 25452324). This variant is not present in population databases (gnomAD no frequency). This variant has not been reported in the literature in individuals affected with SI-related conditions. Algorithms developed to predict the effect of sequence changes on RNA splicing suggest that this variant may disrupt the consensus splice site. In summary, the currently available evidence indicates that the variant is pathogenic, but additional data are needed to prove that conclusively. Therefore, this variant has been classified as Likely Pathogenic.

Literature cited by the submitters: PubMed 16199547; PubMed 16329100; PubMed 23103650; PubMed 25452324.